The following is an entry in ClinVar:

ClinVar aggregate classification (germline): Benign/Likely benign. Review status: criteria provided, multiple submitters, no conflicts (2 of 4 stars). 9 submissions from 9 submitters: Benign (5); Likely benign (3). 1 of the submissions does not count toward it. Last evaluated 2026-09-21.

Conditions:
FLNA-related disorder.
Familial thoracic aortic aneurysm and aortic dissection (TAAD). Also called: Thoracic aortic aneurysms and dissections. Identifiers: Orphanet 91387, MedGen C4707243, MONDO:0019625.
Heterotopia, periventricular, X-linked dominant (PVNH1). Also called: PERIVENTRICULAR NODULAR HETEROTOPIA 4; HETEROTOPIA, PERIVENTRICULAR, 1; X-linked periventricular heterotopia; PERIVENTRICULAR NODULAR HETEROTOPIA 1. Identifiers: Orphanet 2149, Orphanet 82004, MedGen C1848213, MONDO:0010233, OMIM 300049.
Frontometaphyseal dysplasia (FMD1). Identifiers: Orphanet 1826, MedGen C0265293, MONDO:0015942.
Oto-palato-digital syndrome, type II (OPD2). Also called: Otopalatodigital Syndrome, Type II; OPD II SYNDROME; Otopalatodigital Syndrome Type 2 (FLNA-OPD2); FACIOPALATOOSSEOUS SYNDROME. Identifiers: Orphanet 669, Orphanet 90652, MedGen C1844696, MONDO:0010571, OMIM 304120.
Melnick-Needles syndrome (MNS). Also called: OSTEODYSPLASTY OF MELNICK AND NEEDLES; Melnick-Needles Syndrome (FLNA-MNS); MELNICK-NEEDLES OSTEODYSPLASTY. Identifiers: Orphanet 2484, MedGen C0025237, MONDO:0010650, OMIM 309350.

Allele frequency attached by ClinVar (database versions not stated): gnomAD exomes 0.00007 and 0.00018; ExAC 0.00021; ESP Exome Variant Server 0.00047; gnomAD 0.00062 and 0.00069; TOPMed 0.00070.
gnomAD v4.1: 145 of 1,209,960 alleles (0.012%); highest among the groups gnomAD compares: African/African-American, 0.19%; no homozygotes.

Submissions (9):

Molecular Diagnostic Laboratory for Inherited Cardiovascular Disease, Montreal Heart Institute
Classification: Benign. Last evaluated: 2026-09-21. Review status: criteria provided, single submitter. Criteria: ACMG Guidelines, 2015. Collection method: clinical testing. Allele origin: germline. Affected: no.
Comment: BP7

Labcorp Genetics (formerly Invitae), Labcorp
Classification: Benign for Oto-palato-digital syndrome, type II; Heterotopia, periventricular, X-linked dominant; Frontometaphyseal dysplasia; Melnick-Needles syndrome. Last evaluated: 2026-02-04. Review status: criteria provided, single submitter. Criteria: Invitae Variant Classification Sherloc (09022015). Collection method: clinical testing. Allele origin: germline.

Mayo Clinic Laboratories, Mayo Clinic
Classification: Benign. Last evaluated: 2025-08-13. Review status: criteria provided, single submitter. Criteria: ACMG Guidelines, 2015. Collection method: clinical testing. Allele origin: germline. Observed: 3 variant alleles.
Comment: BS1, BS2, BP4, BP7

Women's Health and Genetics/Laboratory Corporation of America, LabCorp
Classification: Benign. Last evaluated: 2025-05-15. Review status: criteria provided, single submitter. Criteria: LabCorp Variant Classification Summary - May 2015. Collection method: clinical testing. Allele origin: germline.

Blueprint Genetics
Classification: Likely benign. Last evaluated: 2024-10-09. Review status: criteria provided, single submitter. Criteria: ACMG Guidelines, 2015. Collection method: clinical testing. Allele origin: germline.

CeGaT Center for Human Genetics Tuebingen
Classification: Likely benign. Last evaluated: 2024-10-01. Review status: criteria provided, single submitter. Criteria: CeGaT Center For Human Genetics Tuebingen Variant Classification Criteria Version 2. Collection method: clinical testing. Allele origin: germline. Affected: yes. Observed: 2 variant alleles.
Comment: FLNA: BP4, BP7, BS2

Ambry Genetics
Classification: Benign for Familial thoracic aortic aneurysm and aortic dissection. Last evaluated: 2021-04-20. Review status: criteria provided, single submitter. Criteria: Ambry Variant Classification Scheme 2023. Collection method: clinical testing. Allele origin: germline.

GeneDx
Classification: Likely benign. Last evaluated: 2018-08-15. Review status: criteria provided, single submitter. Criteria: GeneDx Variant Classification Process June 2021. Collection method: clinical testing. Allele origin: germline. Affected: yes.

PreventionGenetics, part of Exact Sciences
Classification: Likely benign for FLNA-related condition. Last evaluated: 2019-04-02. Review status: no assertion criteria provided. Collection method: clinical testing. Allele origin: germline. Not counted in ClinVar's aggregate classification.
Comment: This variant is classified as likely benign based on ACMG/AMP sequence variant interpretation guidelines (Richards et al. 2015 PMID: 25741868, with internal and published modifications).

NM_001110556.2(FLNA):c.753C>T (p.Asn251=)

Gene: FLNA (filamin A; minus strand). Cytogenetic location: Xq28.
Variant type: single nucleotide variant.
Coding change: c.753C>T on transcript NM_001110556.2 (MANE Select); coding-DNA position 753, C replaced by T.
Protein change: p.Asn251=; no amino-acid change (asparagine 251 retained).
Molecular consequence: synonymous variant.
Genome position (GRCh38, 1-based): chrX:154,367,512, G>A on the plus strand (C>T on the coding strand, the complement: FLNA is on the minus strand). VCF-style: chrX-154367512-G-A. GRCh37 (hg19) VCF-style: chrX-153595880-G-A.
Other names: p.Asn251=; c.753C>T, p.Asn251= (NM_001456.4); c.753C>T (NM_001110556.1).
Identifiers: ClinVar variation 381332 (VCV000381332.44), dbSNP rs377507152, ClinGen allele CA10561361.
Genomic context (GRCh38, chrX:154,367,512, plus strand): 5'-TGGCTTCAGCTTGGCCTTGGGGAACTGGGACAGGTAGGTCATGACAGAGTGCTCGTCCAC[G>A]TTGGGGTCCACAATCTCCTCGGGGGTGATCACCTGTCACAGGCAGAAAACAGGAGCCATC-3'
Protein context (NP_001104026.1, residues 241-261): VITPEEIVDP[Asn251=]VDEHSVMTYL